The following is an entry in ClinVar:

ClinVar aggregate classification (germline): Uncertain significance. Review status: criteria provided, multiple submitters, no conflicts (2 of 4 stars). 2 submissions from 2 submitters: Uncertain significance (2). Last evaluated 2022-12-28.

Conditions:
PLAG1-related disorder. Also called: PLAG1-related condition.
Inborn genetic diseases. Identifiers: MedGen C0950123, MeSH D030342.

Allele frequency attached by ClinVar (database versions not stated): ExAC 0.00001; gnomAD 0.00001; TOPMed 0.00002.
gnomAD v4.1: 28 of 1,613,518 alleles (0.0017%); highest among the groups gnomAD compares: Non-Finnish European, 0.0022%; no homozygotes.

Submissions (2):

Ambry Genetics
Classification: Uncertain significance for Inborn genetic diseases. Last evaluated: 2022-12-28. Review status: criteria provided, single submitter. Criteria: Ambry Variant Classification Scheme 2023. Collection method: clinical testing. Allele origin: germline.

PreventionGenetics, part of Exact Sciences
Classification: Uncertain significance for PLAG1-related condition. Last evaluated: 2022-08-23. Review status: criteria provided, single submitter. Criteria: ACMG Guidelines, 2015. Collection method: clinical testing. Allele origin: germline.
Comment: The PLAG1 c.1346C>T variant is predicted to result in the amino acid substitution p.Ala449Val. To our knowledge, this variant has not been reported in the literature. This variant is reported in 0.0016% of alleles in individuals of European (Non-Finnish) descent in gnomAD. At this time, the clinical significance of this variant is uncertain due to the absence of conclusive functional and genetic evidence.

NM_002655.3(PLAG1):c.1346C>T (p.Ala449Val)

Gene: PLAG1 (PLAG1 zinc finger; minus strand). Cytogenetic location: 8q12.1.
Variant type: single nucleotide variant.
Coding change: c.1346C>T on transcript NM_002655.3 (MANE Select); coding-DNA position 1346, C replaced by T.
Protein change: p.Ala449Val; replaces alanine 449 with valine.
Molecular consequence: missense variant.
Genome position (GRCh38, 1-based): chr8:56,166,400, G>A on the plus strand (C>T on the coding strand, the complement: PLAG1 is on the minus strand). VCF-style: chr8-56166400-G-A. GRCh37 (hg19) VCF-style: chr8-57078959-G-A.
Other names: c.1346C>T, p.Ala449Val (NM_001114634.2); c.1100C>T, p.Ala367Val (NM_001114635.2); short protein forms A449V, A367V.
Identifiers: ClinVar variation 2355110 (VCV002355110.3), dbSNP rs765825114, ClinGen allele CA4754804.